The following is an entry in ClinVar:

NM_025265.4(TSEN2):c.748G>A (p.Asp250Asn)

Gene: TSEN2 (tRNA splicing endonuclease subunit 2; plus strand). Cytogenetic location: 3p25.2.
Variant type: single nucleotide variant.
Coding change: c.748G>A on transcript NM_025265.4 (MANE Select); coding-DNA position 748, G replaced by A.
Protein change: p.Asp250Asn; replaces aspartic acid 250 with asparagine.
Molecular consequence: missense variant. On other transcripts: non-coding transcript variant (1).
Genome position (GRCh38, 1-based): chr3:12,503,701, G>A. VCF-style: chr3-12503701-G-A. GRCh37 (hg19) VCF-style: chr3-12545200-G-A.
Other names: c.748G>A, p.Asp250Asn (NM_001145392.2, NM_001145393.3, NM_001321277.2 and 2 more transcripts); c.571G>A, p.Asp191Asn (NM_001145394.2); short protein forms D191N, D250N.
Identifiers: ClinVar variation 343075 (VCV000343075.7), dbSNP rs757172883, ClinGen allele CA2258592.

ClinVar aggregate classification (germline): Uncertain significance. Review status: criteria provided, multiple submitters, no conflicts (2 of 4 stars). 2 submissions from 2 submitters: Uncertain significance (2). Last evaluated 2023-07-10.

Conditions:
Pontoneocerebellar hypoplasia. Also called: Pontocerebellar hypoplasia; Non-syndromic pontocerebellar hypoplasia. Identifiers: Orphanet 98523, MedGen C1261175, MONDO:0020135.

Allele frequency attached by ClinVar (database versions not stated): gnomAD 0.00008 and 0.00009; TOPMed 0.00008; ExAC 0.00017; gnomAD exomes 0.00022.
gnomAD v4.1: 166 of 1,613,448 alleles (0.01%); highest among the groups gnomAD compares: Admixed American, 0.017%; no homozygotes.

Submissions (2):

Labcorp Genetics (formerly Invitae), Labcorp
Classification: Uncertain significance. Last evaluated: 2023-07-10. Review status: criteria provided, single submitter. Criteria: Invitae Variant Classification Sherloc (09022015). Collection method: clinical testing. Allele origin: germline.
Comment: This sequence change replaces aspartic acid, which is acidic and polar, with asparagine, which is neutral and polar, at codon 250 of the TSEN2 protein (p.Asp250Asn). This variant is present in population databases (rs757172883, gnomAD 0.2%). This variant has not been reported in the literature in individuals affected with TSEN2-related conditions. ClinVar contains an entry for this variant (Variation ID: 343075). Advanced modeling of protein sequence and biophysical properties (such as structural, functional, and spatial information, amino acid conservation, physicochemical variation, residue mobility, and thermodynamic stability) performed at Invitae indicates that this missense variant is not expected to disrupt TSEN2 protein function. In summary, the available evidence is currently insufficient to determine the role of this variant in disease. Therefore, it has been classified as a Variant of Uncertain Significance.

Illumina Laboratory Services, Illumina
Classification: Uncertain significance for Pontoneocerebellar hypoplasia. Last evaluated: 2018-01-12. Review status: criteria provided, single submitter. Criteria: ICSL Variant Classification Criteria 13 December 2019. Collection method: clinical testing. Allele origin: germline.